The following is an entry in ClinVar:

ClinVar aggregate classification (germline): Likely pathogenic (1 of 4 stars; one submission).

Submission:

Quest Diagnostics Nichols Institute San Juan Capistrano
Classification: Likely pathogenic. Last evaluated: 2024-03-13. Review status: criteria provided, single submitter. Criteria: Quest Diagnostics criteria. Collection method: clinical testing. Allele origin: unknown.
Comment: The BRCA1 c.131_132delinsCT (p.Cys44Ser) variant has not been reported in individuals with BRCA1-related conditions in the published literature. It also has not been reported in large, multi-ethnic general populations (Genome Aggregation Database). However, a different variant that produces the same amino change (BRCA1 c.130T>C p.Cys44Ser) has been reported as pathogenic (URL:, Variation ID: 54191) and shown to have a deleterious effect on BRCA1 protein function and DNA damage repair-associated cell survival (PMIDs: 30209399 (2018), 25823446 (2015)). Based on the available information, the BRCA1 c.131_132delinsCT (p.Cys44Ser) variant is classified as likely pathogenic.

NM_007294.4(BRCA1):c.131_132delinsCT (p.Cys44Ser)

Gene: BRCA1 (BRCA1 DNA repair associated; minus strand). Cytogenetic location: 17q21.31.
Variant type: Indel.
Coding change: c.131_132delinsCT on transcript NM_007294.4 (MANE Select); coding-DNA positions 131 to 132, GC replaced by CT.
Protein change: p.Cys44Ser; replaces cysteine 44 with serine.
Molecular consequence: missense variant. On other transcripts: 5 prime UTR variant (131), intron variant (41), splice donor variant (1).
Genome position (GRCh38, 1-based): chr17:43,115,728-43,115,729, GC replaced by AG on the plus strand (GC replaced by CT on the coding strand, the reverse complement: BRCA1 is on the minus strand). VCF-style: chr17-43115728-GC-AG. GRCh37 (hg19) VCF-style: chr17-41267745-GC-AG.
Other names: c.-58_-57delinsCT (NM_001407571.1, NM_001407853.1, NM_001407879.1 and 52 more transcripts); c.131_132delinsCT, p.Cys44Ser (NM_001407581.1, NM_001407582.1, NM_001407583.1 and 191 more transcripts); c.-127_-126delinsCT (NM_001407694.1, NM_001407696.1, NM_001407724.1 and 13 more transcripts); c.-131_-130delinsCT (NM_001407695.1, NM_001408465.1); c.-11_-10delinsCT (NM_001407697.1, NM_001407725.1, NM_001407728.1 and 47 more transcripts); c.-174_-173delinsCT (NM_001407889.1, NM_001407900.1, NM_001408492.1); c.-173_-172delinsCT (NM_001407960.1, NM_001407962.1, NM_001408510.1 and 1 more transcripts); c.-289_-288delinsCT (NM_001407965.1); and 11 more; short protein forms C44S.
Identifiers: ClinVar variation 3572265 (VCV003572265.1).